The following is an entry in ClinVar:

NM_015294.6(TRIM37):c.758G>A (p.Arg253Gln)

Gene: TRIM37 (tripartite motif containing 37; minus strand). Cytogenetic location: 17q22.
Variant type: single nucleotide variant.
Coding change: c.758G>A on transcript NM_015294.6 (MANE Select); coding-DNA position 758, G replaced by A.
Protein change: p.Arg253Gln; replaces arginine 253 with glutamine.
Molecular consequence: missense variant. On other transcripts: non-coding transcript variant (2).
Genome position (GRCh38, 1-based): chr17:59,070,874, C>T on the plus strand (G>A on the coding strand, the complement: TRIM37 is on the minus strand). VCF-style: chr17-59070874-C-T. GRCh37 (hg19) VCF-style: chr17-57148235-C-T.
Other names: c.758G>A, p.Arg253Gln (NM_001005207.5, NM_001320988.3, NM_001320989.3 and 2 more transcripts); c.656G>A, p.Arg219Gln (NM_001320987.3, NM_001353082.2); c.392G>A, p.Arg131Gln (NM_001320990.3); c.23G>A, p.Arg8Gln (NM_001353083.2); c.296G>A, p.Arg99Gln (NM_001353085.2); short protein forms R219Q, R253Q, R8Q, R131Q, R99Q.
Identifiers: ClinVar variation 1994427 (VCV001994427.3), dbSNP rs757431303, ClinGen allele CA8678526.
Genomic context (GRCh38, chr17:59,070,874, plus strand): 5'-GTGTCATACCTGGTAAAGTCTGGTGGAACAGGAGTGGTAACAAAAGATGCCATGGGCTTC[C>T]GATGAACTTGCTGAAACATCATAAGGATCTCTGAGCTCTTAGATATCAACTCACTCTTAC-3'
Protein context (NP_056109.1, residues 243-263): EILMMFQQVH[Arg253Gln]KPMASFVTTP

ClinVar aggregate classification (germline): Uncertain significance. Review status: criteria provided, multiple submitters, no conflicts (2 of 4 stars). 2 submissions from 2 submitters: Uncertain significance (2). Last evaluated 2022-05-14.

Allele frequency attached by ClinVar (database versions not stated): gnomAD 0.00001; gnomAD exomes 0.00001; ExAC 0.00002.
gnomAD v4.1: 14 of 1,613,934 alleles (0.00087%); highest among the groups gnomAD compares: East Asian, 0.0022%; no homozygotes.

Submissions (2):

Labcorp Genetics (formerly Invitae), Labcorp
Classification: Uncertain significance. Last evaluated: 2022-05-14. Review status: criteria provided, single submitter. Criteria: Invitae Variant Classification Sherloc (09022015). Collection method: clinical testing. Allele origin: germline.
Comment: This sequence change replaces arginine, which is basic and polar, with glutamine, which is neutral and polar, at codon 253 of the TRIM37 protein (p.Arg253Gln). This variant is present in population databases (rs757431303, gnomAD 0.006%). This variant has not been reported in the literature in individuals affected with TRIM37-related conditions. Algorithms developed to predict the effect of missense changes on protein structure and function are either unavailable or do not agree on the potential impact of this missense change (SIFT: "Not Available"; PolyPhen-2: "Benign"; Align-GVGD: "Not Available"). In summary, the available evidence is currently insufficient to determine the role of this variant in disease. Therefore, it has been classified as a Variant of Uncertain Significance.

Breakthrough Genomics
Classification: Uncertain significance. Review status: criteria provided, single submitter. Criteria: ACMG Guidelines, 2015. Collection method: not provided. Allele origin: germline. Inheritance: Autosomal recessive inheritance. Affected: yes.